The following is an entry in ClinVar:

ClinVar aggregate classification (germline): Uncertain significance (1 of 4 stars; one submission).

Submission:

GeneDx
Classification: Uncertain significance. Last evaluated: 2021-06-21. Review status: criteria provided, single submitter. Criteria: GeneDx Variant Classification Process June 2021. Collection method: clinical testing. Allele origin: germline. Affected: yes.
Comment: Not observed at significant frequency in large population cohorts (Lek et al., 2016); In silico analysis supports a deleterious effect on splicing; Has not been previously published as pathogenic or benign to our knowledge; This variant is associated with the following publications: (PMID: 27535533)

NM_207034.3(EDN3):c.543-6C>A

Gene: EDN3 (endothelin 3; plus strand). Cytogenetic location: 20q13.32.
Variant type: single nucleotide variant.
Coding change: c.543-6C>A on transcript NM_207034.3 (MANE Select); 6 bases into the intron before coding-DNA position 543, C replaced by A.
Molecular consequence: intron variant.
Genome position (GRCh38, 1-based): chr20:59,322,366, C>A. VCF-style: chr20-59322366-C-A. GRCh37 (hg19) VCF-style: chr20-57897421-C-A.
Other names: c.543-6C>A (NM_207032.3, NM_001302455.2); c.542+1173C>A (NM_207033.3, NM_001302456.2).
Identifiers: ClinVar variation 504330 (VCV000504330.3), dbSNP rs1452056002, ClinGen allele CA658799385.